The following is an entry in ClinVar:

ClinVar aggregate classification (germline): Uncertain significance (1 of 4 stars; one submission).

Allele frequency attached by ClinVar (database versions not stated): gnomAD exomes 0.00001; gnomAD 0.00001.
gnomAD v4.1: 22 of 1,551,856 alleles (0.0014%); highest among the groups gnomAD compares: Non-Finnish European, 0.0018%; no homozygotes.

Submission:

Labcorp Genetics (formerly Invitae), Labcorp
Classification: Uncertain significance. Last evaluated: 2024-01-15. Review status: criteria provided, single submitter. Criteria: Invitae Variant Classification Sherloc (09022015). Collection method: clinical testing. Allele origin: germline.
Comment: This sequence change creates a premature translational stop signal (p.Gln115*) in the CLIC5 gene. It is expected to result in an absent or disrupted protein product. However, the current clinical and genetic evidence is not sufficient to establish whether loss-of-function variants in CLIC5 cause disease. This variant is not present in population databases (gnomAD no frequency). This variant has not been reported in the literature in individuals affected with CLIC5-related conditions. ClinVar contains an entry for this variant (Variation ID: 1472692). In summary, the available evidence is currently insufficient to determine the role of this variant in disease. Therefore, it has been classified as a Variant of Uncertain Significance.

NC_000006.12:g.46079900G>A

Gene: CLIC5 (CLIC family member 5; minus strand). Cytogenetic location: 6p21.1.
Variant type: single nucleotide variant.
Molecular consequence: nonsense (on NM_001114086.2). On other transcripts: intron variant (1).
Genome position: GRCh38 VCF-style: chr6-46079900-G-A. GRCh37 (hg19) VCF-style: chr6-46047637-G-A.
Other names: c.343C>T, p.Gln115Ter (NM_001114086.2, NM_001370650.1); c.-55+49604C>T (NM_001370649.1); short protein forms Q115*.
Identifiers: ClinVar variation 1472692 (VCV001472692.5), dbSNP rs1762878523, ClinGen allele CA363965090.